The following is an entry in ClinVar:

ClinVar aggregate classification (germline): Uncertain significance. Review status: criteria provided, multiple submitters, no conflicts (2 of 4 stars). 7 submissions from 7 submitters: Uncertain significance (7). Last evaluated 2026-01-13.

Conditions:
Hereditary cancer-predisposing syndrome. Also called: Tumor predisposition; Hereditary Cancer Syndrome; Neoplastic Syndromes, Hereditary; Hereditary neoplastic syndrome. Identifiers: Orphanet 140162, MedGen C0027672, MeSH D009386, MONDO:0015356.
Familial cancer of breast. Also called: Hereditary breast cancer; BREAST CANCER, FAMILIAL; hereditary breast carcinoma. Identifiers: Orphanet 227535, MedGen C0346153, MONDO:0016419, OMIM 114480. Disease mechanism: loss of function.
Fanconi anemia complementation group J. Also called: BRIP1-Related Fanconi Anemia. Identifiers: Orphanet 84, MedGen C1836860, MONDO:0012187, OMIM 609054.

Allele frequency attached by ClinVar (database versions not stated): TOPMed 0.00001; gnomAD 0.00003.
gnomAD v4.1: 7 of 1,611,710 alleles (0.00043%); highest among the groups gnomAD compares: Non-Finnish European, 0.00051%; no homozygotes.

Submissions (7):

Labcorp Genetics (formerly Invitae), Labcorp
Classification: Uncertain significance for Familial cancer of breast; Fanconi anemia complementation group J. Last evaluated: 2026-01-13. Review status: criteria provided, single submitter. Criteria: Invitae Variant Classification Sherloc (09022015). Collection method: clinical testing. Allele origin: germline.
Comment: This sequence change replaces leucine, which is neutral and non-polar, with methionine, which is neutral and non-polar, at codon 385 of the BRIP1 protein (p.Leu385Met). This variant is not present in population databases (gnomAD no frequency). This variant has not been reported in the literature in individuals affected with BRIP1-related conditions. ClinVar contains an entry for this variant (Variation ID: 216783). Invitae Evidence Modeling of protein sequence and biophysical properties (such as structural, functional, and spatial information, amino acid conservation, physicochemical variation, residue mobility, and thermodynamic stability) indicates that this missense variant is not expected to disrupt BRIP1 protein function with a negative predictive value of 95%. In summary, the available evidence is currently insufficient to determine the role of this variant in disease. Therefore, it has been classified as a Variant of Uncertain Significance.

Molecular Diagnostics Laboratory, Catalan Institute of Oncology
Classification: Uncertain significance for Hereditary cancer-predisposing syndrome. Last evaluated: 2025-08-26. Review status: criteria provided, single submitter. Criteria: ACMG Guidelines, 2015. Collection method: clinical testing. Allele origin: germline.
Comment: PM2_Supporting c.1153C>A, located in exon 9 of the BRIP1 gene, is predicted to result in the substitution of leucine with methionine at codon 385, p.(Leu385Met). It is not present in the population database gnomAD v2.1.1, non cancer dataset (PM2_Supporting). The SpliceAI algorithm predicts no significant impact on splicing and the REVEL meta-predictor score (0.603) for this variant is indeterminate regarding the effect that it may have on protein function according Pejaver 2022 thresholds (PMID: 36413997). To our knowledge, neither relevant clinical data nor well-established functional studies have been reported for this variant. It has been reported in the ClinVar database (6x uncertain significance) and in the LOVD database (3x uncertain significance). Based on the currently available evidence, c.1153C>A is classified as an uncertain significance variant according to ACMG guidelines.

Ambry Genetics
Classification: Uncertain significance for Hereditary cancer-predisposing syndrome. Last evaluated: 2025-05-19. Review status: criteria provided, single submitter. Criteria: Ambry Variant Classification Scheme 2023. Collection method: clinical testing. Allele origin: germline.
Comment: The p.L385M variant (also known as c.1153C>A), located in coding exon 8 of the BRIP1 gene, results from a C to A substitution at nucleotide position 1153. The leucine at codon 385 is replaced by methionine, an amino acid with highly similar properties. This amino acid position is highly conserved in available vertebrate species. In addition, the in silico prediction for this alteration is inconclusive. Since supporting evidence is limited at this time, the clinical significance of this alteration remains unclear.

Institute for Biomarker Research, Medical Diagnostic Laboratories, L.L.C.
Classification: Uncertain significance for Hereditary cancer-predisposing syndrome. Last evaluated: 2024-08-20. Review status: criteria provided, single submitter. Criteria: ACMG Guidelines, 2015. Collection method: clinical testing. Allele origin: germline.
Comment: The missense variant NM_032043.3(BRIP1):c.1153C>A (p.Leu385Met) has not been reported previously as a pathogenic variant nor as a benign variant, to our knowledge. The p.Leu385Met variant is novel (not in any individuals) in gnomAD. The p.Leu385Met variant is novel (not in any individuals) in 1kG. The p.Leu385Met missense variant is predicted to be damaging by both SIFT and PolyPhen2. The leucine residue at codon 385 of BRIP1 is conserved in all mammalian species. The nucleotide c.1153 in BRIP1 is predicted conserved by GERP++ and PhyloP across 100 vertebrates. For these reasons, this variant has been classified as Uncertain Significance

Color Diagnostics, LLC DBA Color Health
Classification: Uncertain significance for Hereditary cancer-predisposing syndrome. Last evaluated: 2023-03-28. Review status: criteria provided, single submitter. Criteria: ACMG Guidelines, 2015. Collection method: clinical testing. Allele origin: germline.
Comment: This missense variant replaces leucine with methionine at codon 385 of the BRIP1 protein. Computational prediction is inconclusive regarding the impact of this variant on protein structure and function (internally defined REVEL score threshold 0.5 < inconclusive < 0.7, PMID: 27666373). To our knowledge, functional studies have not been reported for this variant. This variant has been reported in an individual affected with breast cancer (PMID: 29368626). This variant has not been identified in the general population by the Genome Aggregation Database (gnomAD). The available evidence is insufficient to determine the role of this variant in disease conclusively. Therefore, this variant is classified as a Variant of Uncertain Significance.

GeneDx
Classification: Uncertain significance. Last evaluated: 2021-11-10. Review status: criteria provided, single submitter. Criteria: GeneDx Variant Classification Process June 2021. Collection method: clinical testing. Allele origin: germline. Affected: yes.
Comment: Not observed at significant frequency in large population cohorts (Lek et al., 2016); In silico analysis supports that this missense variant does not alter protein structure/function; Observed in an individual with breast cancer (Weber-Lasalle 2018); This variant is associated with the following publications: (PMID: 11301010, 29368626)

Institute for Clinical Genetics, University Hospital TU Dresden, University Hospital TU Dresden
Classification: Uncertain significance. Last evaluated: 2021-11-03. Review status: criteria provided, single submitter. Criteria: ACMG Guidelines, 2015. Collection method: clinical testing. Allele origin: germline.

Literature cited by the submitters: PubMed 29368626 (cited by Color Diagnostics, LLC DBA Color Health).

NM_032043.3(BRIP1):c.1153C>A (p.Leu385Met)

Gene: BRIP1 (BRCA1 interacting DNA helicase 1; minus strand). Cytogenetic location: 17q23.2.
Variant type: single nucleotide variant.
Coding change: c.1153C>A on transcript NM_032043.3 (MANE Select); coding-DNA position 1153, C replaced by A.
Protein change: p.Leu385Met; replaces leucine 385 with methionine.
Molecular consequence: missense variant.
Genome position (GRCh38, 1-based): chr17:61,799,287, G>T on the plus strand (C>A on the coding strand, the complement: BRIP1 is on the minus strand). VCF-style: chr17-61799287-G-T. GRCh37 (hg19) VCF-style: chr17-59876648-G-T.
Other names: short protein forms L385M.
Identifiers: ClinVar variation 216783 (VCV000216783.28), dbSNP rs748001678, ClinGen allele CA338439.